The following is an entry in ClinVar:

ClinVar aggregate classification (germline): Uncertain significance. Review status: criteria provided, single submitter (1 of 4 stars). 2 submissions from 2 submitters: Uncertain significance (1). 1 of the submissions does not count toward it. Last evaluated 2022-08-08.

Conditions:
Glycogen storage disease type III (GSD3). Also called: FORBES DISEASE; Cori disease. Identifiers: Orphanet 366, MedGen C0017922, MONDO:0009291, OMIM 232400.

Allele frequency attached by ClinVar (database versions not stated): ExAC 0.00002; TOPMed 0.00002; gnomAD exomes 0.00003.
gnomAD v4.1: 39 of 1,613,886 alleles (0.0024%); highest among the groups gnomAD compares: South Asian, 0.0099%; no homozygotes.

Submissions (2):

Labcorp Genetics (formerly Invitae), Labcorp
Classification: Uncertain significance for Glycogen storage disease type III. Last evaluated: 2022-08-08. Review status: criteria provided, single submitter. Criteria: Invitae Variant Classification Sherloc (09022015). Collection method: clinical testing. Allele origin: germline.
Comment: This sequence change replaces arginine, which is basic and polar, with glutamine, which is neutral and polar, at codon 675 of the AGL protein (p.Arg675Gln). This variant is present in population databases (rs752995564, gnomAD 0.01%). This missense change has been observed in individual(s) with glycogen storage disease type III (Invitae). ClinVar contains an entry for this variant (Variation ID: 641855). Algorithms developed to predict the effect of missense changes on protein structure and function are either unavailable or do not agree on the potential impact of this missense change (SIFT: "Deleterious"; PolyPhen-2: "Probably Damaging"; Align-GVGD: "Class C0"). This variant disrupts the p.Arg675 amino acid residue in AGL. Other variant(s) that disrupt this residue have been observed in individuals with AGL-related conditions (PMID: 12442284), which suggests that this may be a clinically significant amino acid residue. In summary, the available evidence is currently insufficient to determine the role of this variant in disease. Therefore, it has been classified as a Variant of Uncertain Significance.

Natera, Inc.
Classification: Uncertain significance for Glycogen storage disease type III. Last evaluated: 2020-04-06. Review status: no assertion criteria provided. Collection method: clinical testing. Allele origin: germline. Not counted in ClinVar's aggregate classification.

Literature cited by the submitters: PubMed 12442284 (cited by Labcorp Genetics (formerly Invitae), Labcorp).

NM_000642.3(AGL):c.2024G>A (p.Arg675Gln)

Gene: AGL (amylo-alpha-1,6-glucosidase and 4-alpha-glucanotransferase; plus strand). Cytogenetic location: 1p21.2.
Variant type: single nucleotide variant.
Coding change: c.2024G>A on transcript NM_000642.3 (MANE Select); coding-DNA position 2024, G replaced by A.
Protein change: p.Arg675Gln; replaces arginine 675 with glutamine.
Molecular consequence: missense variant.
Genome position (GRCh38, 1-based): chr1:99,881,314, G>A. VCF-style: chr1-99881314-G-A. GRCh37 (hg19) VCF-style: chr1-100346870-G-A.
Other names: c.1646G>A, p.Arg549Gln (NM_001425332.1); c.1976G>A, p.Arg659Gln (NM_000646.3); c.2024G>A, p.Arg675Gln (NM_001425325.1, NM_001425326.1, NM_000028.3 and 2 more transcripts); c.1823G>A, p.Arg608Gln (NM_001425327.1); c.1820G>A, p.Arg607Gln (NM_001425328.1, NM_001425329.1); short protein forms R659Q, R675Q, R549Q, R607Q, R608Q.
Identifiers: ClinVar variation 641855 (VCV000641855.9), dbSNP rs752995564, ClinGen allele CA966679.